The following is an entry in ClinVar:

NM_001256007.3(PNPLA8):c.884C>T (p.Thr295Met)

Gene: PNPLA8 (patatin like domain 8, phospholipase A2; minus strand). Cytogenetic location: 7q31.1.
Variant type: single nucleotide variant.
Coding change: c.884C>T on transcript NM_001256007.3 (MANE Select); coding-DNA position 884, C replaced by T.
Protein change: p.Thr295Met; replaces threonine 295 with methionine.
Molecular consequence: missense variant.
Genome position (GRCh38, 1-based): chr7:108,514,608, G>A on the plus strand (C>T on the coding strand, the complement: PNPLA8 is on the minus strand). VCF-style: chr7-108514608-G-A. GRCh37 (hg19) VCF-style: chr7-108155052-G-A.
Other names: c.884C>T, p.Thr295Met (NM_001256008.3, NM_001256009.3, NM_015723.5); c.584C>T, p.Thr195Met (NM_001256010.3, NM_001256011.3); short protein forms T195M, T295M.
Identifiers: ClinVar variation 1902626 (VCV001902626.4), dbSNP rs1863169942, ClinGen allele CA368897856.

ClinVar aggregate classification (germline): Uncertain significance (1 of 4 stars; one submission).

Allele frequency attached by ClinVar (database versions not stated): gnomAD exomes below 0.00001; TOPMed 0.00001.
gnomAD v4.1: 3 of 1,613,960 alleles (0.00019%); highest among the groups gnomAD compares: Non-Finnish European, 0.00025%; no homozygotes.

Submission:

Labcorp Genetics (formerly Invitae), Labcorp
Classification: Uncertain significance. Last evaluated: 2022-03-01. Review status: criteria provided, single submitter. Criteria: Invitae Variant Classification Sherloc (09022015). Collection method: clinical testing. Allele origin: germline.
Comment: This sequence change replaces threonine, which is neutral and polar, with methionine, which is neutral and non-polar, at codon 295 of the PNPLA8 protein (p.Thr295Met). This variant is not present in population databases (gnomAD no frequency). This variant has not been reported in the literature in individuals affected with PNPLA8-related conditions. Algorithms developed to predict the effect of missense changes on protein structure and function are either unavailable or do not agree on the potential impact of this missense change (SIFT: "Tolerated"; PolyPhen-2: "Possibly Damaging"; Align-GVGD: "Class C0"). In summary, the available evidence is currently insufficient to determine the role of this variant in disease. Therefore, it has been classified as a Variant of Uncertain Significance.